The following is an entry in ClinVar:

ClinVar aggregate classification (germline): Likely pathogenic (1 of 4 stars; one submission).

Conditions:
Multiple mitochondrial dysfunctions syndrome 7 (MMDS7). Identifiers: MedGen C5830586, MONDO:0957382, OMIM 620423.

Submission:

First Genomix Gene Laboratory, Genetic Diagnostics Department
Classification: Likely pathogenic for Multiple mitochondrial dysfunctions syndrome 7. Last evaluated: 2025-09-09. Review status: criteria provided, single submitter. Criteria: ACMG Guidelines, 2015. Collection method: clinical testing. Allele origin: germline. Inheritance: Autosomal recessive inheritance. Affected: no. Observed: 1 variant allele.

NM_004483.5(GCSH):c.43_53del (p.Thr15fs)

Genes: GCSH (glycine cleavage system protein H; minus strand), LOC130059495 (ATAC-STARR-seq lymphoblastoid silent region 7751; plus strand). Cytogenetic location: 16q23.2.
Variant type: Deletion.
Coding change: c.43_53del on transcript NM_004483.5 (MANE Select); coding-DNA positions 43 to 53, 11 bases deleted (ACCCTGCGCGC).
Protein change: p.Thr15fs; shifts the reading frame from threonine 15.
Molecular consequence: frameshift variant. On other transcripts: non-coding transcript variant (1).
Genome position (GRCh38, 1-based): chr16:81,096,226-81,096,236, GCGCGCAGGGT deleted on the plus strand (ACCCTGCGCGC on the coding strand, the reverse complement: GCSH is on the minus strand); deleting any 11 consecutive bases within chr16:81,096,226-81,096,238 gives the same sequence; the c. name uses the placement nearest the transcript's 3' end. VCF-style (leftmost placement, unchanged base first): chr16-81096225-CGCGCGCAGGGT-C. GRCh37 (hg19) VCF-style: chr16-81129830-CGCGCGCAGGGT-C.
Other names: short protein forms T15fs.
Identifiers: ClinVar variation 4850296 (VCV004850296.1).